The following is an entry in ClinVar:

NM_000444.6(PHEX):c.10G>C (p.Glu4Gln)

Gene: PHEX (phosphate regulating endopeptidase X-linked; plus strand). Cytogenetic location: Xp22.11.
Variant type: single nucleotide variant.
Coding change: c.10G>C on transcript NM_000444.6 (MANE Select); coding-DNA position 10, G replaced by C.
Protein change: p.Glu4Gln; replaces glutamic acid 4 with glutamine.
Molecular consequence: missense variant.
Genome position (GRCh38, 1-based): chrX:22,033,015, G>C. VCF-style: chrX-22033015-G-C. GRCh37 (hg19) VCF-style: chrX-22051133-G-C.
Other names: p.Glu4Gln; c.10G>C, p.Glu4Gln (NM_001282754.2); short protein forms E4Q.
Identifiers: ClinVar variation 225437 (VCV000225437.17), dbSNP rs147859619, ClinGen allele CA10367951.

ClinVar aggregate classification (germline): Conflicting classifications of pathogenicity. Review status: criteria provided, conflicting classifications (1 of 4 stars). 8 submissions from 8 submitters: Uncertain significance (1); Benign (3); Likely benign (3). 1 of the submissions does not count toward it. Last evaluated 2026-02-01.

Conditions:
PHEX-related disorder. Also called: PHEX-related condition.
Familial X-linked hypophosphatemic vitamin D refractory rickets (XLHRD). Also called: X-Linked Hypophosphatemia; Hypophosphatemia, vitamin D-resistant rickets; Vitamin D-resistant rickets, X-linked; HYPOPHOSPHATEMIC VITAMIN D-RESISTANT RICKETS; Hypophosphatemic Rickets, X-Linked Dominant. Identifiers: Orphanet 89936, MedGen C0733682, MONDO:0010619, OMIM 307800.

Allele frequency attached by ClinVar (database versions not stated): ESP Exome Variant Server 0.00019; gnomAD exomes 0.00021 and 0.00073; gnomAD 0.00030 and 0.00037; TOPMed 0.00057; ExAC 0.00074; 1000 Genomes Project 30x 0.00146; 1000 Genomes Project 0.00159.
gnomAD v4.1: 282 of 1,203,671 alleles (0.023%); highest among the groups gnomAD compares: East Asian, 0.63%; 1 homozygote.

Submissions (8):

Labcorp Genetics (formerly Invitae), Labcorp
Classification: Benign. Last evaluated: 2026-02-01. Review status: criteria provided, single submitter. Criteria: Invitae Variant Classification Sherloc (09022015). Collection method: clinical testing. Allele origin: germline.

Women's Health and Genetics/Laboratory Corporation of America, LabCorp
Classification: Likely benign. Last evaluated: 2025-10-08. Review status: criteria provided, single submitter. Criteria: LabCorp Variant Classification Summary - May 2015. Collection method: clinical testing. Allele origin: germline.

Mayo Clinic Laboratories, Mayo Clinic
Classification: Benign. Last evaluated: 2025-09-04. Review status: criteria provided, single submitter. Criteria: ACMG Guidelines, 2015. Collection method: clinical testing. Allele origin: germline. Observed: 1 variant allele.
Comment: BS1, BS2

Illumina Laboratory Services, Illumina
Classification: Likely benign for Familial X-linked hypophosphatemic vitamin D refractory rickets. Last evaluated: 2017-04-27. Review status: criteria provided, single submitter. Criteria: ICSL Variant Classification Criteria 13 December 2019. Collection method: clinical testing. Allele origin: germline.
Comment: This variant was observed as part of a predisposition screen in an ostensibly healthy population. A literature search was performed for the gene, cDNA change, and amino acid change (where applicable). No publications were found based on this search. Allele frequency data from public databases allowed determination this variant is unlikely to cause disease. Therefore, this variant is classified as likely benign.

Athena Diagnostics
Classification: Benign. Last evaluated: 2017-02-21. Review status: criteria provided, single submitter. Criteria: Athena Diagnostics Criteria. Collection method: clinical testing. Allele origin: germline.

GeneDx
Classification: Likely benign. Last evaluated: 2016-07-26. Review status: criteria provided, single submitter. Criteria: GeneDx Variant Classification (06012015). Collection method: clinical testing. Allele origin: germline. Affected: yes.
Comment: This variant is considered likely benign or benign based on one or more of the following criteria: it is a conservative change, it occurs at a poorly conserved position in the protein, it is predicted to be benign by multiple in silico algorithms, and/or has population frequency not consistent with disease.

Soonchunhyang University Bucheon Hospital, Soonchunhyang University Medical Center
Classification: Uncertain significance for Familial X-linked hypophosphatemic vitamin D refractory rickets. Last evaluated: 2016-03-18. Review status: criteria provided, single submitter. Criteria: ACMG Guidelines, 2015. Collection method: reference population. Allele origin: germline. Observed: 1 variant allele.

PreventionGenetics, part of Exact Sciences
Classification: Likely benign for PHEX-related condition. Last evaluated: 2019-10-14. Review status: no assertion criteria provided. Collection method: clinical testing. Allele origin: germline. Not counted in ClinVar's aggregate classification.
Comment: This variant is classified as likely benign based on ACMG/AMP sequence variant interpretation guidelines (Richards et al. 2015 PMID: 25741868, with internal and published modifications).

Literature cited by the submitters: PubMed 30476936 (cited by Mayo Clinic Laboratories, Mayo Clinic); PubMed 34141703 (cited by Mayo Clinic Laboratories, Mayo Clinic); PubMed 37334733 (cited by Mayo Clinic Laboratories, Mayo Clinic); PubMed 38057384 (cited by Mayo Clinic Laboratories, Mayo Clinic); PubMed 16636593 (cited by Athena Diagnostics).